The following is an entry in ClinVar:

NM_147127.5(EVC2):c.775_781del (p.Leu259fs)

Gene: EVC2 (EvC ciliary complex subunit 2; minus strand). Cytogenetic location: 4p16.2.
Variant type: Deletion.
Coding change: c.775_781del on transcript NM_147127.5 (MANE Select); coding-DNA positions 775 to 781, 7 bases deleted (CTCAAGC; older notation c.775_781delCTCAAGC).
Protein change: p.Leu259fs; shifts the reading frame from leucine 259.
Molecular consequence: frameshift variant.
Genome position (GRCh38, 1-based): chr4:5,685,405-5,685,411, GCTTGAG deleted on the plus strand (CTCAAGC on the coding strand, the reverse complement: EVC2 is on the minus strand); deleting any 7 consecutive bases within chr4:5,685,405-5,685,414 gives the same sequence; the c. name uses the placement nearest the transcript's 3' end. VCF-style (leftmost placement, unchanged base first): chr4-5685404-AGCTTGAG-A. GRCh37 (hg19) VCF-style: chr4-5687131-AGCTTGAG-A.
Other names: c.535_541del, p.Leu179fs (NM_001166136.2); short protein forms L179fs, L259fs.
Identifiers: ClinVar variation 1726642 (VCV001726642.2), dbSNP rs2475578663, ClinGen allele CA2580070764.

ClinVar aggregate classification (germline): Likely pathogenic (1 of 4 stars; one submission).

Conditions:
Ellis-van Creveld syndrome (EVC). Also called: EVC-Related Ellis-van Creveld Syndrome; EVC2-Related Ellis-van Creveld Syndrome; MESOECTODERMAL DYSPLASIA; Chondroectodermal dysplasia. Identifiers: Orphanet 289, MedGen C0013903, MONDO:0009162, OMIM 225500.

Submission:

Myriad Genetics, Inc.
Classification: Likely pathogenic for Ellis-van Creveld syndrome. Last evaluated: 2021-12-30. Review status: criteria provided, single submitter. Criteria: Myriad Women's Health Autosomal Recessive and X-Linked Classification Criteria (2021). Collection method: clinical testing. Allele origin: unknown.
Comment: NM_147127.4(EVC2):c.775_781del7(L259Ffs*17) is expected to be pathogenic in the context of EVC2-related Ellis-van Creveld syndrome. This variant is predicted to lead to an abnormal or absent protein product due to the creation of a premature termination codon in EVC2, a gene where loss-of-function variants are known to be pathogenic. Please note: this variant was assessed in the context of healthy population screening.